The following is an entry in ClinVar:

ClinVar aggregate classification (germline): Benign (1 of 4 stars; one submission).

Conditions:
MELAS syndrome (MELAS). Also called: Juvenile myopathy, encephalopathy, lactic acidosis, stroke. Identifiers: Orphanet 550, MedGen C0162671, MONDO:0010789, OMIM 540000.

Submission:

Wong Mito Lab, Molecular and Human Genetics, Baylor College of Medicine
Classification: Benign for MELAS syndrome. Last evaluated: 2019-07-12. Review status: criteria provided, single submitter. Criteria: Modified ACMG Guidelines (Unpublished). Collection method: clinical testing. Allele origin: germline.
Comment: The NC_012920.1:m.5633C>T variant in MT-TA gene is interpreted to be a Benign variant based on the modified ACMG guidelines (unpublished). This variant meets the following evidence codes reported in the guidelines: BS1, BS2, BP4

Literature cited by the submitters: PubMed 31965079.

NC_012920.1(MT-TA):m.5633C>T

Gene: MT-TA (mitochondrially encoded tRNA alanine; minus strand).
Variant type: single nucleotide variant.
Genome position: chrM-5633-C-T.
Identifiers: ClinVar variation 689962 (VCV000689962.1), dbSNP rs879226228, ClinGen allele CA337097206.